The following is an entry in ClinVar:

ClinVar aggregate classification (germline): Uncertain significance. Review status: criteria provided, multiple submitters, no conflicts (2 of 4 stars). 2 submissions from 2 submitters: Uncertain significance (2). Last evaluated 2024-03-06.

Conditions:
Cardiomyopathy (CMYO). Also called: Cardiomyopathies. Identifiers: Orphanet 167848, MedGen C0878544, MONDO:0004994, HP:0001638. Inheritance: Various modes of inheritance.
Hypertrophic cardiomyopathy. Also called: HYPERTROPHIC MYOCARDIOPATHY. Identifiers: Orphanet 217569, MedGen C0007194, MeSH D002312, MONDO:0005045, HP:0001639.

Allele frequency attached by ClinVar (database versions not stated): gnomAD exomes below 0.00001.
gnomAD v4.1: 1 of 1,611,756 alleles (0.000062%); highest among the groups gnomAD compares: Non-Finnish European, 0.000085%; no homozygotes.

Submissions (2):

Color Diagnostics, LLC DBA Color Health
Classification: Uncertain significance for Cardiomyopathy. Last evaluated: 2024-03-06. Review status: criteria provided, single submitter. Criteria: ACMG Guidelines, 2015. Collection method: clinical testing. Allele origin: germline.
Comment: This missense variant replaces alanine with valine at codon 328 of the MYBPC3 protein. Computational prediction suggests that this variant may not impact protein structure and function (internally defined REVEL score threshold <= 0.5, PMID: 27666373). To our knowledge, functional studies have not been reported for this variant. This variant has not been reported in individuals affected with MYBPC3-related disorders in the literature. This variant has not been identified in the general population by the Genome Aggregation Database (gnomAD). The available evidence is insufficient to determine the role of this variant in disease conclusively. Therefore, this variant is classified as a Variant of Uncertain Significance.

All of Us Research Program, National Institutes of Health
Classification: Uncertain significance for Hypertrophic cardiomyopathy. Last evaluated: 2024-01-08. Review status: criteria provided, single submitter. Criteria: ACMG Guidelines, 2015. Collection method: clinical testing. Allele origin: germline. Inheritance: Autosomal dominant inheritance. Observed: 2 variant alleles, 2 heterozygotes.
Comment: This missense variant replaces alanine with valine at codon 328 of the MYBPC3 protein. Computational prediction suggests that this variant may not impact protein structure and function (internally defined REVEL score threshold <= 0.5, PMID: 27666373). To our knowledge, functional studies have not been reported for this variant. This variant has not been reported in individuals affected with cardiovascular disorders in the literature. This variant has not been identified in the general population by the Genome Aggregation Database (gnomAD). The available evidence is insufficient to determine the role of this variant in disease conclusively. Therefore, this variant is classified as a Variant of Uncertain Significance.

This study involves interpretation of variants in research participants for the purpose of population health screening. Participant phenotype was not available at the time of variant classification. Additional details can be found in publication PMID: 35346344, PMCID: PMC8962531

NM_000256.3(MYBPC3):c.983C>T (p.Ala328Val)

Gene: MYBPC3 (myosin binding protein C3; minus strand). Cytogenetic location: 11p11.2.
Variant type: single nucleotide variant.
Coding change: c.983C>T on transcript NM_000256.3 (MANE Select); coding-DNA position 983, C replaced by T.
Protein change: p.Ala328Val; replaces alanine 328 with valine.
Molecular consequence: missense variant.
Genome position (GRCh38, 1-based): chr11:47,346,314, G>A on the plus strand (C>T on the coding strand, the complement: MYBPC3 is on the minus strand). VCF-style: chr11-47346314-G-A. GRCh37 (hg19) VCF-style: chr11-47367865-G-A.
Other names: short protein forms A328V.
Identifiers: ClinVar variation 918482 (VCV000918482.6), dbSNP rs2095894054, ClinGen allele CA380331643.